The following is an entry in ClinVar:

ClinVar aggregate classification (germline): Likely pathogenic (1 of 4 stars; one submission).

Conditions:
Neurodevelopmental disorder with ataxic gait, absent speech, and decreased cortical white matter. Identifiers: MedGen C4540498, MONDO:0060624, OMIM 617807.

Submission:

New York Genome Center
Classification: Likely pathogenic for Neurodevelopmental disorder with ataxic gait, absent speech, and decreased cortical white matter. Last evaluated: 2022-06-08. Review status: criteria provided, single submitter. Criteria: NYGC Assertion Criteria 2020. Collection method: clinical testing. Allele origin: de novo. Affected: yes. Observed: 1 heterozygote. Study: PrenatalSEQ.
Comment: The c.85T>C variant in RAB11B has not previously been reported in the literature or public variant repositories (ClinVar and LOVD), and is absent from population databases (gnomAD v2.1.1 and v3.1.2, TOPMed Freeze 8, All of Us), suggesting it is not a common benign variant in the populations represented in those databases. The c.85T>C variant is located in exon 2 of this 5-exon gene, and predicted to replace an evolutionarily conserved serine amino acid with proline at position 29 (p.(Ser29Pro)) near the first GTP-binding site (aa18-26). In silico predictions are in favor of damaging effect for p.(Ser29Pro) [(CADD v1.6 = 30, REVEL = 0.907)]; however, there are no functional studies to support or refute these predictions. Based on available evidence this de novo c.85T>C p.(Ser29Pro) variant identified in RAB11B is classified as Likely Pathogenic.

NM_004218.4(RAB11B):c.85T>C (p.Ser29Pro)

Gene: RAB11B (RAB11B, member RAS oncogene family; plus strand). Cytogenetic location: 19p13.2.
Variant type: single nucleotide variant.
Coding change: c.85T>C on transcript NM_004218.4 (MANE Select); coding-DNA position 85, T replaced by C.
Protein change: p.Ser29Pro; replaces serine 29 with proline.
Molecular consequence: missense variant.
Genome position (GRCh38, 1-based): chr19:8,399,907, T>C. VCF-style: chr19-8399907-T-C. GRCh37 (hg19) VCF-style: chr19-8464791-T-C.
Other names: short protein forms S29P.
Identifiers: ClinVar variation 3235921 (VCV003235921.1), dbSNP rs2512745114, ClinGen allele CA403709892.